The following is an entry in ClinVar:

ClinVar aggregate classification (germline): Uncertain significance (1 of 4 stars; one submission).

Conditions:
Peroxisome biogenesis disorder, complementation group K (CGK). Identifiers: MedGen C1866257, MONDO:0800365.

Submission:

Labcorp Genetics (formerly Invitae), Labcorp
Classification: Uncertain significance for Peroxisome biogenesis disorder, complementation group K. Last evaluated: 2024-10-26. Review status: criteria provided, single submitter. Criteria: Invitae Variant Classification Sherloc (09022015). Collection method: clinical testing. Allele origin: germline.
Comment: This sequence change replaces serine, which is neutral and polar, with cysteine, which is neutral and slightly polar, at codon 199 of the PEX14 protein (p.Ser199Cys). This variant is not present in population databases (gnomAD no frequency). This variant has not been reported in the literature in individuals affected with PEX14-related conditions. ClinVar contains an entry for this variant (Variation ID: 1485343). Invitae Evidence Modeling of protein sequence and biophysical properties (such as structural, functional, and spatial information, amino acid conservation, physicochemical variation, residue mobility, and thermodynamic stability) has been performed for this missense variant. However, the output from this modeling did not meet the statistical confidence thresholds required to predict the impact of this variant on PEX14 protein function. In summary, the available evidence is currently insufficient to determine the role of this variant in disease. Therefore, it has been classified as a Variant of Uncertain Significance.

NM_004565.3(PEX14):c.596C>G (p.Ser199Cys)

Gene: PEX14 (peroxisomal biogenesis factor 14; plus strand). Cytogenetic location: 1p36.22.
Variant type: single nucleotide variant.
Coding change: c.596C>G on transcript NM_004565.3 (MANE Select); coding-DNA position 596, C replaced by G.
Protein change: p.Ser199Cys; replaces serine 199 with cysteine.
Molecular consequence: missense variant.
Genome position (GRCh38, 1-based): chr1:10,627,282, C>G. VCF-style: chr1-10627282-C-G. GRCh37 (hg19) VCF-style: chr1-10687339-C-G.
Other names: short protein forms S199C.
Identifiers: ClinVar variation 1485343 (VCV001485343.6), dbSNP rs932537713, ClinGen allele CA17853969.